The following is an entry in ClinVar:

NM_000400.4(ERCC2):c.872G>A (p.Gly291Glu)

Gene: ERCC2 (ERCC excision repair 2, TFIIH core complex helicase subunit; minus strand). Cytogenetic location: 19q13.32.
Variant type: single nucleotide variant.
Coding change: c.872G>A on transcript NM_000400.4 (MANE Select); coding-DNA position 872, G replaced by A.
Protein change: p.Gly291Glu; replaces glycine 291 with glutamic acid.
Molecular consequence: missense variant.
Genome position (GRCh38, 1-based): chr19:45,364,063, C>T on the plus strand (G>A on the coding strand, the complement: ERCC2 is on the minus strand). VCF-style: chr19-45364063-C-T. GRCh37 (hg19) VCF-style: chr19-45867321-C-T.
Other names: c.800G>A, p.Gly267Glu (NM_001130867.2); short protein forms G267E, G291E.
Identifiers: ClinVar variation 1490310 (VCV001490310.6), dbSNP rs1346984198, ClinGen allele CA406373611.

ClinVar aggregate classification (germline): Uncertain significance (1 of 4 stars; one submission).

Submission:

Labcorp Genetics (formerly Invitae), Labcorp
Classification: Uncertain significance. Last evaluated: 2024-10-16. Review status: criteria provided, single submitter. Criteria: Invitae Variant Classification Sherloc (09022015). Collection method: clinical testing. Allele origin: germline.
Comment: This sequence change replaces glycine, which is neutral and non-polar, with glutamic acid, which is acidic and polar, at codon 291 of the ERCC2 protein (p.Gly291Glu). This variant is not present in population databases (gnomAD no frequency). This variant has not been reported in the literature in individuals affected with ERCC2-related conditions. ClinVar contains an entry for this variant (Variation ID: 1490310). Invitae Evidence Modeling of protein sequence and biophysical properties (such as structural, functional, and spatial information, amino acid conservation, physicochemical variation, residue mobility, and thermodynamic stability) indicates that this missense variant is expected to disrupt ERCC2 protein function with a positive predictive value of 80%. In summary, the available evidence is currently insufficient to determine the role of this variant in disease. Therefore, it has been classified as a Variant of Uncertain Significance.